The following is an entry in ClinVar:

NM_002496.4(NDUFS8):c.456C>T (p.Tyr152=)

Gene: NDUFS8 (NADH:ubiquinone oxidoreductase core subunit S8; plus strand). Cytogenetic location: 11q13.2.
Variant type: single nucleotide variant.
Coding change: c.456C>T on transcript NM_002496.4 (MANE Select); coding-DNA position 456, C replaced by T.
Protein change: p.Tyr152=; no amino-acid change (tyrosine 152 retained).
Molecular consequence: synonymous variant.
Genome position (GRCh38, 1-based): chr11:68,036,336, C>T. VCF-style: chr11-68036336-C-T. GRCh37 (hg19) VCF-style: chr11-67803803-C-T.
Identifiers: ClinVar variation 3250550 (VCV003250550.18), dbSNP rs375157825.

ClinVar aggregate classification (germline): Likely benign (1 of 4 stars; one submission).

Allele frequency attached by ClinVar (database versions not stated): gnomAD exomes below 0.00001; ExAC 0.00001; ESP Exome Variant Server 0.00008; gnomAD 0.00012.
gnomAD v4.1: 20 of 1,612,746 alleles (0.0012%); highest among the groups gnomAD compares: Admixed American, 0.0067%; 1 homozygote.

Submission:

CeGaT Center for Human Genetics Tuebingen
Classification: Likely benign. Last evaluated: 2024-06-01. Review status: criteria provided, single submitter. Criteria: CeGaT Center For Human Genetics Tuebingen Variant Classification Criteria Version 2. Collection method: clinical testing. Allele origin: germline. Affected: yes. Observed: 1 variant allele.
Comment: NDUFS8: BP4, BP7